The following is an entry in ClinVar:

NM_018136.5(ASPM):c.8165A>G (p.Tyr2722Cys)

Gene: ASPM (assembly factor for spindle microtubules; minus strand). Cytogenetic location: 1q31.3.
Variant type: single nucleotide variant.
Coding change: c.8165A>G on transcript NM_018136.5 (MANE Select); coding-DNA position 8165, A replaced by G.
Protein change: p.Tyr2722Cys; replaces tyrosine 2722 with cysteine.
Molecular consequence: missense variant. On other transcripts: intron variant (1).
Genome position (GRCh38, 1-based): chr1:197,101,086, T>C on the plus strand (A>G on the coding strand, the complement: ASPM is on the minus strand). VCF-style: chr1-197101086-T-C. GRCh37 (hg19) VCF-style: chr1-197070216-T-C.
Other names: c.4066-4922A>G (NM_001206846.2); c.8165A>G (NM_018136.4); short protein forms Y2722C.
Identifiers: ClinVar variation 2909795 (VCV002909795.4), dbSNP rs144504296, ClinGen allele CA1309279.

ClinVar aggregate classification (germline): Uncertain significance. Review status: criteria provided, multiple submitters, no conflicts (2 of 4 stars). 2 submissions from 2 submitters: Uncertain significance (2). Last evaluated 2025-04-11.

Conditions:
Inborn genetic diseases. Identifiers: MedGen C0950123, MeSH D030342.

Allele frequency attached by ClinVar (database versions not stated): gnomAD exomes below 0.00001; ExAC 0.00001; gnomAD 0.00002; TOPMed 0.00003; ESP Exome Variant Server 0.00008.
gnomAD v4.1: 8 of 1,611,744 alleles (0.0005%); highest among the groups gnomAD compares: African/African-American, 0.0067%; no homozygotes.

Submissions (2):

Ambry Genetics
Classification: Uncertain significance for Inborn genetic diseases. Last evaluated: 2025-04-11. Review status: criteria provided, single submitter. Criteria: Ambry Variant Classification Scheme 2023. Collection method: clinical testing. Allele origin: germline.

Labcorp Genetics (formerly Invitae), Labcorp
Classification: Uncertain significance. Last evaluated: 2023-09-30. Review status: criteria provided, single submitter. Criteria: Invitae Variant Classification Sherloc (09022015). Collection method: clinical testing. Allele origin: germline.
Comment: This sequence change replaces tyrosine, which is neutral and polar, with cysteine, which is neutral and slightly polar, at codon 2722 of the ASPM protein (p.Tyr2722Cys). In summary, the available evidence is currently insufficient to determine the role of this variant in disease. Therefore, it has been classified as a Variant of Uncertain Significance. Algorithms developed to predict the effect of missense changes on protein structure and function output the following: SIFT: "Not Available"; PolyPhen-2: "Benign"; Align-GVGD: "Not Available". The cysteine amino acid residue is found in multiple mammalian species, which suggests that this missense change does not adversely affect protein function. This variant has not been reported in the literature in individuals affected with ASPM-related conditions. This variant is present in population databases (rs144504296, gnomAD 0.008%).